The following is an entry in ClinVar:

NM_006648.4(WNK2):c.2687C>T (p.Ala896Val)

Gene: WNK2 (WNK lysine deficient protein kinase 2; plus strand). Cytogenetic location: 9q22.31.
Variant type: single nucleotide variant.
Coding change: c.2687C>T on transcript NM_006648.4 (MANE Select); coding-DNA position 2687, C replaced by T.
Protein change: p.Ala896Val; replaces alanine 896 with valine.
Molecular consequence: missense variant.
Genome position (GRCh38, 1-based): chr9:93,259,235, C>T. VCF-style: chr9-93259235-C-T. GRCh37 (hg19) VCF-style: chr9-96021517-C-T.
Other names: c.2687C>T, p.Ala896Val (NM_001282394.3); short protein forms A896V.
Identifiers: ClinVar variation 3817091 (VCV003817091.1).

ClinVar aggregate classification (germline): Uncertain significance (1 of 4 stars; one submission).

gnomAD v4.1: 22 of 1,613,334 alleles (0.0014%); highest among the groups gnomAD compares: Non-Finnish European, 0.0018%; no homozygotes.

Submission:

Ambry Genetics
Classification: Uncertain significance. Last evaluated: 2025-02-15. Review status: criteria provided, single submitter. Criteria: Ambry Variant Classification Scheme 2023. Collection method: clinical testing. Allele origin: germline.
Comment: The p.A896V variant (also known as c.2687C>T), located in coding exon 11 of the WNK2 gene, results from a C to T substitution at nucleotide position 2687. The alanine at codon 896 is replaced by valine, an amino acid with similar properties. This amino acid position is conserved. In addition, this alteration is predicted to be tolerated by in silico analysis. Based on the available evidence, the clinical significance of this variant remains unclear.